The following is an entry in ClinVar:

NM_153704.6(TMEM67):c.371A>C (p.Glu124Ala)

Gene: TMEM67 (transmembrane protein 67; plus strand). Cytogenetic location: 8q22.1.
Variant type: single nucleotide variant.
Coding change: c.371A>C on transcript NM_153704.6 (MANE Select); coding-DNA position 371, A replaced by C.
Protein change: p.Glu124Ala; replaces glutamic acid 124 with alanine.
Molecular consequence: missense variant. On other transcripts: 5 prime UTR variant (1), non-coding transcript variant (1).
Genome position (GRCh38, 1-based): chr8:93,758,541, A>C. VCF-style: chr8-93758541-A-C. GRCh37 (hg19) VCF-style: chr8-94770769-A-C.
Other names: c.-7A>C (NM_001142301.1); short protein forms E124A.
Identifiers: ClinVar variation 2932474 (VCV002932474.4), dbSNP rs1392985639, ClinGen allele CA371685862.

ClinVar aggregate classification (germline): Conflicting classifications of pathogenicity. Review status: criteria provided, conflicting classifications (1 of 4 stars). 2 submissions from 2 submitters: Likely pathogenic (1); Uncertain significance (1). Last evaluated 2024-05-10.

Conditions:
Joubert syndrome 6 (JBTS6). Identifiers: Orphanet 475, MedGen C1853153, MONDO:0012539, OMIM 610688.
Bardet-Biedl syndrome 14 (BBS14). Identifiers: Orphanet 110, MedGen C2673874, MONDO:0014442, OMIM 615991.
Nephronophthisis 11 (NPHP11). Identifiers: Orphanet 84081, MedGen C3150796, MONDO:0013302, OMIM 613550.
COACH syndrome 1. Identifiers: Orphanet 1454, MedGen C5435651, MONDO:0800103, OMIM 216360, MONDO:0008996.
Meckel syndrome, type 3 (MKS3). Also called: MECKEL-GRUBER SYNDROME, TYPE 3. Identifiers: Orphanet 564, MedGen C1846357, MONDO:0011821, OMIM 607361.
RHYNS syndrome. Also called: RETINITIS PIGMENTOSA SYNDROME; RETINITIS PIGMENTOSA, HYPOPITUITARISM, NEPHRONOPHTHISIS, AND MILD SKELETAL DYSPLASIA. Identifiers: Orphanet 140976, MedGen C1865794, MONDO:0011202, OMIM 602152.
Joubert syndrome. Also called: CEREBELLOPARENCHYMAL DISORDER IV; JOUBERT-BOLTSHAUSER SYNDROME; Familial aplasia of the vermis. Identifiers: Orphanet 475, MedGen C5979921, MONDO:0018772.
Meckel-Gruber syndrome. Also called: DYSENCEPHALIA SPLANCHNOCYSTICA; GRUBER SYNDROME; Dysencephalia splachnocystica. Identifiers: Orphanet 564, MedGen C0265215, MONDO:0018921.

Allele frequency attached by ClinVar (database versions not stated): gnomAD exomes below 0.00001; TOPMed 0.00001.

Submissions (2):

Fulgent Genetics
Classification: Uncertain significance for COACH syndrome 1; RHYNS syndrome; Meckel syndrome, type 3; Joubert syndrome 6; Nephronophthisis 11; Bardet-Biedl syndrome 14. Last evaluated: 2024-05-10. Review status: criteria provided, single submitter. Criteria: ACMG Guidelines, 2015. Collection method: clinical testing. Allele origin: germline.

Labcorp Genetics (formerly Invitae), Labcorp
Classification: Likely pathogenic for Joubert syndrome; Meckel-Gruber syndrome. Last evaluated: 2023-12-19. Review status: criteria provided, single submitter. Criteria: Invitae Variant Classification Sherloc (09022015). Collection method: clinical testing. Allele origin: germline.
Comment: This sequence change replaces glutamic acid, which is acidic and polar, with alanine, which is neutral and non-polar, at codon 124 of the TMEM67 protein (p.Glu124Ala). This variant is not present in population databases (gnomAD no frequency). This variant has not been reported in the literature in individuals affected with TMEM67-related conditions. Advanced modeling of protein sequence and biophysical properties (such as structural, functional, and spatial information, amino acid conservation, physicochemical variation, residue mobility, and thermodynamic stability) performed at Invitae indicates that this missense variant is expected to disrupt TMEM67 protein function with a positive predictive value of 95%. This variant disrupts the p.Glu124 amino acid residue in TMEM67. Other variant(s) that disrupt this residue have been determined to be pathogenic (PMID: 20232449). This suggests that this residue is clinically significant, and that variants that disrupt this residue are likely to be disease-causing. In summary, the currently available evidence indicates that the variant is pathogenic, but additional data are needed to prove that conclusively. Therefore, this variant has been classified as Likely Pathogenic.

Literature cited by the submitters: PubMed 20232449 (cited by Labcorp Genetics (formerly Invitae), Labcorp).